The following is an entry in ClinVar:

ClinVar aggregate classification (germline): Likely pathogenic. Review status: criteria provided, multiple submitters, no conflicts (2 of 4 stars). 2 submissions from 2 submitters: Likely pathogenic (2). Last evaluated 2024-12-10.

Conditions:
Ehlers-Danlos syndrome, classic type, 1 (EDSCL1). Also called: EHLERS-DANLOS SYNDROME, GRAVIS TYPE; EHLERS-DANLOS SYNDROME, SEVERE CLASSIC TYPE; Ehlers-Danlos syndrome, type 1; Ehlers-Danlos Syndrome, Classic Type, COL5A1-Related; EDS I. Identifiers: MedGen C0268335, MONDO:0019567, OMIM 130000.
Osteogenesis imperfecta type I (OI1). Also called: OI, TYPE I; OSTEOGENESIS IMPERFECTA TARDA; OSTEOGENESIS IMPERFECTA WITH BLUE SCLERAE; Osteogenesis imperfecta type 1; Lobstein's Disease; Lobstein disease. Identifiers: Orphanet 216796, Orphanet 666, MedGen C0023931, MONDO:0008146, OMIM 166200. Disease mechanism: loss of function.
Osteoporosis. Identifiers: MedGen C0029456, MONDO:0005298, OMIM 166710, HP:0000939.

Submissions (2):

Women's Health and Genetics/Laboratory Corporation of America, LabCorp
Classification: Likely pathogenic for Osteoporosis. Last evaluated: 2024-12-10. Review status: criteria provided, single submitter. Criteria: LabCorp Variant Classification Summary - May 2015. Collection method: clinical testing. Allele origin: germline.
Comment: Variant summary: COL1A2 c.1828G>A (p.Gly610Ser) results in a non-conservative amino acid change located in the Collagen triple helix repeat region (Uniprot IPR008160) of the encoded protein sequence. This missense variant disrupts a critical glycine residue at position 1 of a Gly-X-Y repeat in the collagenous domain of COL1A2 protein, and at-least one other missense affecting this glycine residue has been reported in patient(s) with Osteogenesis imperfecta (p.G610V in PMID 31428121). Five of five in-silico tools predict a damaging effect of the variant on protein function. The variant was absent in 199900 control chromosomes. c.1828G>A has been reported in the literature in at-least one individual affected with Osteoporosis (example, Botor_2023). To our knowledge, no experimental evidence demonstrating an impact on protein function has been reported.The following publication has been ascertained in the context of this evaluation (PMID: 37895885). No submitters have cited clinical-significance assessments for this variant to ClinVar. Based on the evidence outlined above, the variant was classified as likely pathogenic.

Labcorp Genetics (formerly Invitae), Labcorp
Classification: Likely pathogenic for Osteogenesis imperfecta type I; Ehlers-Danlos syndrome, classic type, 1. Last evaluated: 2024-06-16. Review status: criteria provided, single submitter. Criteria: Invitae Variant Classification Sherloc (09022015). Collection method: clinical testing. Allele origin: germline.
Comment: This sequence change replaces glycine, which is neutral and non-polar, with serine, which is neutral and polar, at codon 610 of the COL1A2 protein (p.Gly610Ser). This variant is not present in population databases (gnomAD no frequency). This variant has not been reported in the literature in individuals affected with COL1A2-related conditions. Advanced modeling of protein sequence and biophysical properties (such as structural, functional, and spatial information, amino acid conservation, physicochemical variation, residue mobility, and thermodynamic stability) performed at Invitae indicates that this missense variant is expected to disrupt COL1A2 protein function with a positive predictive value of 95%. This variant disrupts the triple helix domain of COL1A2. Glycine residues within the Gly-Xaa-Yaa repeats of the triple helix domain are required for the structure and stability of fibrillar collagens (PMID: 7695699, 8218237, 19344236). In COL1A2, variants affecting these glycine residues are significantly enriched in individuals with disease (PMID: 9016532, 17078022) compared to the general population (ExAC). In summary, the currently available evidence indicates that the variant is pathogenic, but additional data are needed to prove that conclusively. Therefore, this variant has been classified as Likely Pathogenic.

Literature cited by the submitters: PubMed 37895885 (cited by Women's Health and Genetics/Laboratory Corporation of America, LabCorp); PubMed 7695699 (cited by Labcorp Genetics (formerly Invitae), Labcorp); PubMed 8218237 (cited by Labcorp Genetics (formerly Invitae), Labcorp); PubMed 19344236 (cited by Labcorp Genetics (formerly Invitae), Labcorp); PubMed 9016532 (cited by Labcorp Genetics (formerly Invitae), Labcorp); PubMed 17078022 (cited by Labcorp Genetics (formerly Invitae), Labcorp).

NM_000089.4(COL1A2):c.1828G>A (p.Gly610Ser)

Gene: COL1A2 (collagen type I alpha 2 chain; plus strand). Cytogenetic location: 7q21.3.
Variant type: single nucleotide variant.
Coding change: c.1828G>A on transcript NM_000089.4 (MANE Select); coding-DNA position 1828, G replaced by A.
Protein change: p.Gly610Ser; replaces glycine 610 with serine.
Molecular consequence: missense variant.
Genome position (GRCh38, 1-based): chr7:94,416,468, G>A. VCF-style: chr7-94416468-G-A. GRCh37 (hg19) VCF-style: chr7-94045780-G-A.
Other names: short protein forms G610S.
Identifiers: ClinVar variation 3756847 (VCV003756847.3).